The following is an entry in ClinVar:

NM_198578.4(LRRK2):c.5168G>T (p.Arg1723Ile)

Gene: LRRK2 (leucine rich repeat kinase 2; plus strand). Cytogenetic location: 12q12.
Variant type: single nucleotide variant.
Coding change: c.5168G>T on transcript NM_198578.4 (MANE Select); coding-DNA position 5168, G replaced by T.
Protein change: p.Arg1723Ile; replaces arginine 1723 with isoleucine.
Molecular consequence: missense variant.
Genome position (GRCh38, 1-based): chr12:40,321,186, G>T. VCF-style: chr12-40321186-G-T. GRCh37 (hg19) VCF-style: chr12-40714988-G-T.
Other names: short protein forms R1723I.
Identifiers: ClinVar variation 1745762 (VCV001745762.2), dbSNP rs1224380988, ClinGen allele CA384420141.

ClinVar aggregate classification (germline): Uncertain significance (1 of 4 stars; one submission).

Conditions:
Inborn genetic diseases. Identifiers: MedGen C0950123, MeSH D030342.

Allele frequency attached by ClinVar (database versions not stated): gnomAD 0.00001.
gnomAD v4.1: 5 of 1,611,044 alleles (0.00031%); highest among the groups gnomAD compares: Non-Finnish European, 0.00034%; no homozygotes.

Submission:

Ambry Genetics
Classification: Uncertain significance for Inborn genetic diseases. Last evaluated: 2022-04-03. Review status: criteria provided, single submitter. Criteria: Ambry Variant Classification Scheme 2023. Collection method: clinical testing. Allele origin: germline.
Comment: The p.R1723I variant (also known as c.5168G>T), located in coding exon 35 of the LRRK2 gene, results from a G to T substitution at nucleotide position 5168. The arginine at codon 1723 is replaced by isoleucine, an amino acid with similar properties. This amino acid position is conserved. In addition, this alteration is predicted to be deleterious by in silico analysis. Since supporting evidence is limited at this time, the clinical significance of this alteration remains unclear.